The following is an entry in ClinVar:

ClinVar aggregate classification (germline): Likely pathogenic. Review status: criteria provided, single submitter (1 of 4 stars). 2 submissions from 1 submitter: Likely pathogenic (1). 1 of the submissions does not count toward it. Last evaluated 2021-08-12.

Conditions:
Familial dysautonomia. Also called: FD; HSAN III. Identifiers: Orphanet 1764, MedGen C0013364, MONDO:0009131, OMIM 223900. Disease mechanism: loss of function.

Submissions (2):

Labcorp Genetics (formerly Invitae), Labcorp
Classification: Likely pathogenic. Last evaluated: 2021-08-12. Review status: criteria provided, single submitter. Criteria: Invitae Variant Classification Sherloc (09022015). Collection method: clinical testing. Allele origin: germline.
Comment: This variant is a gross deletion of the genomic region encompassing exon(s) 15-37 of the ELP1 gene, which includes the termination codon. This deletion extends beyond the assayed region for this gene and therefore may encompass additional genes. While this deletion is not anticipated to lead to nonsense mediated decay, it is expected to alter mRNA translation or result in a truncated protein product. This variant has not been reported in the literature in individuals affected with ELP1-related conditions. This variant disrupts the p.Arg696 amino acid residue in ELP1. Other variant(s) that disrupt this residue have been determined to be pathogenic (PMID: 11179008, 11179021, 12116234). This suggests that this residue is clinically significant, and that variants that disrupt this residue are likely to be disease-causing. In summary, the currently available evidence indicates that the variant is pathogenic, but additional data are needed to prove that conclusively. Therefore, this variant has been classified as Likely Pathogenic.

Labcorp Genetics (formerly Invitae), Labcorp
Classification: Likely pathogenic for Familial dysautonomia. Last evaluated: 2018-08-15. Review status: flagged submission. Criteria: Invitae Variant Classification Sherloc (09022015). Collection method: clinical testing. Allele origin: germline. Not counted in ClinVar's aggregate classification.
Comment: This variant is a gross deletion of the genomic region encompassing exons 15-37 of the IKBKAP gene. The 5' boundary is likely confined to intron 14. The 3' end of this event is unknown as it extends through the termination codon beyond the assayed region for this gene and may encompass additional genes. While this deletion is not anticipated to result in nonsense mediated decay, it is expected to create a truncated protein product or disrupt mRNA translation. This variant has not been reported in the literature in individuals with IKBKAP-related disease. An variant that disrupts theÂ¬â€ p.Arg696Â¬â€ amino acid residue in IKBKAP has been observed in affected individuals (PMID:Â¬â€ 11179008, 11179021, 12116234, 11179021). This suggests that it is a clinically significant residue, and that other variants that disrupt this residue are likely to be causative of disease. In summary, the currently available evidence indicates that the variant is pathogenic, but additional data are needed to prove that conclusively. Therefore, this variant has been classified as Likely Pathogenic.
ClinVar note: Reason: This record appears to be redundant with a more recent record from the same submitter.
ClinVar note: Notes: SCV000952999 appears to be redundant with SCV001576844.

Literature cited by the submitters: PubMed 11179008; PubMed 11179021; PubMed 12116234.

NC_000009.12:g.(?_108869105)_(108903679_?)del

Gene: ELP1 (elongator acetyltransferase complex subunit 1; minus strand). Cytogenetic location: 9q31.3.
Variant type: Deletion.
Identifiers: ClinVar variation 656290 (VCV000656290.7).